The following is an entry in ClinVar:

ClinVar aggregate classification (germline): Uncertain significance (1 of 4 stars; one submission).

Conditions:
Ehlers-Danlos syndrome, classic type, 1 (EDSCL1). Also called: EHLERS-DANLOS SYNDROME, GRAVIS TYPE; EHLERS-DANLOS SYNDROME, SEVERE CLASSIC TYPE; Ehlers-Danlos syndrome, type 1; Ehlers-Danlos Syndrome, Classic Type, COL5A1-Related; EDS I. Identifiers: MedGen C0268335, MONDO:0019567, OMIM 130000.

Submission:

Labcorp Genetics (formerly Invitae), Labcorp
Classification: Uncertain significance for Ehlers-Danlos syndrome, classic type, 1. Last evaluated: 2025-11-18. Review status: criteria provided, single submitter. Criteria: Invitae Variant Classification Sherloc (09022015). Collection method: clinical testing. Allele origin: germline.
Comment: This variant, c.1190_1195del, results in the deletion of 2 amino acid(s) of the COL5A1 protein (p.Ala397_Asp398del), but otherwise preserves the integrity of the reading frame. This variant is not present in population databases (gnomAD no frequency). This variant has not been reported in the literature in individuals affected with COL5A1-related conditions. Experimental studies and prediction algorithms are not available or were not evaluated, and the functional significance of this variant is currently unknown. In summary, the available evidence is currently insufficient to determine the role of this variant in disease. Therefore, it has been classified as a Variant of Uncertain Significance.

NM_000093.5(COL5A1):c.1190_1195del (p.Ala397_Asp398del)

Gene: COL5A1 (collagen type V alpha 1 chain; plus strand). Cytogenetic location: 9q34.3.
Variant type: Deletion.
Coding change: c.1190_1195del on transcript NM_000093.5 (MANE Select); coding-DNA positions 1190 to 1195, 6 bases deleted (CGGATG; older notation c.1190_1195delCGGATG).
Protein change: p.Ala397_Asp398del.
Molecular consequence: inframe deletion.
Genome position (GRCh38, 1-based): chr9:134,731,521-134,731,526, CGGATG deleted; deleting any 6 consecutive bases within chr9:134,731,519-134,731,526 gives the same sequence; the c. name uses the placement nearest the transcript's 3' end. VCF-style (leftmost placement, unchanged base first): chr9-134731518-GTGCGGA-G. GRCh37 (hg19) VCF-style: chr9-137623364-GTGCGGA-G.
Other names: c.1190_1195del, p.Ala397_Asp398del (NM_001278074.1).
Identifiers: ClinVar variation 4731513 (VCV004731513.1).
Genomic context (GRCh38, chr9:134,731,518, plus strand): 5'-TTTGCGAGGCAACCCTGCGCCTTCCTCTCCCTCTGCAGCCAGCTCCGCCTCCAGGGGAAG[GTGCGGA>G]TGACTTGGAGGGGGAGTTCACTGAGGAAACGATCCGGAACCTTGACGAGAACTACTACGA-3'